The following is an entry in ClinVar:

NM_024753.5(TTC21B):c.2005G>C (p.Asp669His)

Gene: TTC21B (tetratricopeptide repeat domain 21B; minus strand). Cytogenetic location: 2q24.3.
Variant type: single nucleotide variant.
Coding change: c.2005G>C on transcript NM_024753.5 (MANE Select); coding-DNA position 2005, G replaced by C.
Protein change: p.Asp669His; replaces aspartic acid 669 with histidine.
Molecular consequence: missense variant.
Genome position (GRCh38, 1-based): chr2:165,915,334, C>G on the plus strand (G>C on the coding strand, the complement: TTC21B is on the minus strand). VCF-style: chr2-165915334-C-G. GRCh37 (hg19) VCF-style: chr2-166771844-C-G.
Other names: c.2005G>C (NM_024753.3); short protein forms D669H.
Identifiers: ClinVar variation 1373518 (VCV001373518.6), dbSNP rs1406594364, ClinGen allele CA349058832.

ClinVar aggregate classification (germline): Uncertain significance. Review status: criteria provided, multiple submitters, no conflicts (2 of 4 stars). 2 submissions from 2 submitters: Uncertain significance (2). Last evaluated 2022-09-29.

Conditions:
Inborn genetic diseases. Identifiers: MedGen C0950123, MeSH D030342.
Jeune thoracic dystrophy. Also called: Jeune syndrome; Infantile thoracic dystrophy; Thoracic pelvic phalangeal dystrophy; Jeune's syndrome; Chondroectodermal dysplasia-like syndrome; Short-rib thoracic dysplasia. Identifiers: Orphanet 474, MedGen C0265275, MONDO:0018770.
Nephronophthisis. Also called: Juvenile Nephronophthisis. Identifiers: Orphanet 655, MedGen C0687120, MONDO:0019005, HP:0000090.

Allele frequency attached by ClinVar (database versions not stated): gnomAD exomes below 0.00001; TOPMed below 0.00001.
gnomAD v4.1: 15 of 1,614,102 alleles (0.00093%); highest among the groups gnomAD compares: Non-Finnish European, 0.0013%; no homozygotes.

Submissions (2):

Ambry Genetics
Classification: Uncertain significance for Inborn genetic diseases. Last evaluated: 2022-09-29. Review status: criteria provided, single submitter. Criteria: Ambry Variant Classification Scheme 2023. Collection method: clinical testing. Allele origin: germline.

Labcorp Genetics (formerly Invitae), Labcorp
Classification: Uncertain significance for Jeune thoracic dystrophy; Nephronophthisis. Last evaluated: 2022-07-05. Review status: criteria provided, single submitter. Criteria: Invitae Variant Classification Sherloc (09022015). Collection method: clinical testing. Allele origin: germline.
Comment: This sequence change replaces aspartic acid, which is acidic and polar, with histidine, which is basic and polar, at codon 669 of the TTC21B protein (p.Asp669His). This variant is present in population databases (no rsID available, gnomAD 0.0009%). This variant has not been reported in the literature in individuals affected with TTC21B-related conditions. ClinVar contains an entry for this variant (Variation ID: 1373518). Algorithms developed to predict the effect of missense changes on protein structure and function are either unavailable or do not agree on the potential impact of this missense change (SIFT: "Tolerated"; PolyPhen-2: "Probably Damaging"; Align-GVGD: "Class C0"). In summary, the available evidence is currently insufficient to determine the role of this variant in disease. Therefore, it has been classified as a Variant of Uncertain Significance.